The following is an entry in ClinVar:

NM_213649.2(SFXN4):c.103G>A (p.Glu35Lys)

Genes: SFXN4 (sideroflexin 4; minus strand), LOC130004825 (ATAC-STARR-seq lymphoblastoid silent region 2869; plus strand). Cytogenetic location: 10q26.11.
Variant type: single nucleotide variant.
Coding change: c.103G>A on transcript NM_213649.2 (MANE Select); coding-DNA position 103, G replaced by A.
Protein change: p.Glu35Lys; replaces glutamic acid 35 with lysine.
Molecular consequence: missense variant. On other transcripts: non-coding transcript variant (1).
Genome position (GRCh38, 1-based): chr10:119,165,545, C>T on the plus strand (G>A on the coding strand, the complement: SFXN4 is on the minus strand). VCF-style: chr10-119165545-C-T. GRCh37 (hg19) VCF-style: chr10-120925057-C-T.
Other names: c.103G>A, p.Glu35Lys (NM_213650.1); short protein forms E35K.
Identifiers: ClinVar variation 2368067 (VCV002368067.3), dbSNP rs372672920, ClinGen allele CA5714724.

ClinVar aggregate classification (germline): Uncertain significance. Review status: criteria provided, multiple submitters, no conflicts (2 of 4 stars). 2 submissions from 2 submitters: Uncertain significance (2). Last evaluated 2023-12-26.

Conditions:
Inborn genetic diseases. Identifiers: MedGen C0950123, MeSH D030342.

Allele frequency attached by ClinVar (database versions not stated): ESP Exome Variant Server 0.00008; TOPMed 0.00009; gnomAD exomes 0.00010; ExAC 0.00011; gnomAD 0.00012.
gnomAD v4.1: 165 of 1,583,408 alleles (0.01%); highest among the groups gnomAD compares: Middle Eastern, 0.17%; 2 homozygotes.

Submissions (2):

GeneDx
Classification: Uncertain significance. Last evaluated: 2023-12-26. Review status: criteria provided, single submitter. Criteria: GeneDx Variant Classification Process June 2021. Collection method: clinical testing. Allele origin: germline. Affected: yes.
Comment: In silico analysis supports that this missense variant does not alter protein structure/function; Has not been previously published as pathogenic or benign to our knowledge

Ambry Genetics
Classification: Uncertain significance for Inborn genetic diseases. Last evaluated: 2021-03-24. Review status: criteria provided, single submitter. Criteria: Ambry Variant Classification Scheme 2023. Collection method: clinical testing. Allele origin: germline.
Comment: The c.103G>A (p.E35K) alteration is located in exon 1 (coding exon 1) of the SFXN4 gene. This alteration results from a G to A substitution at nucleotide position 103, causing the glutamic acid (E) at amino acid position 35 to be replaced by a lysine (K). The p.E35K alteration is predicted to be tolerated by in silico analysis. Based on insufficient or conflicting evidence, the clinical significance of this alteration remains unclear.